The following is an entry in ClinVar:

ClinVar aggregate classification (germline): Uncertain significance. Review status: criteria provided, multiple submitters, no conflicts (2 of 4 stars). 2 submissions from 2 submitters: Uncertain significance (2). Last evaluated 2024-05-30.

Conditions:
Malignant hyperthermia, susceptibility to, 5 (MHS5). Also called: CACNA1S-Related Malignant Hyperthermia Susceptibility. Identifiers: Orphanet 423, MedGen C1866077, MONDO:0011163, OMIM 601887.
Hypokalemic periodic paralysis, type 1. Also called: HypoPP; Hypokalemic Periodic Paralysis Type 1 (AD). Identifiers: Orphanet 681, MedGen C3714580, MONDO:0042979, OMIM 170400.

Allele frequency attached by ClinVar (database versions not stated): gnomAD exomes below 0.00001.
gnomAD v4.1: 2 of 1,614,078 alleles (0.00012%); highest among the groups gnomAD compares: Non-Finnish European, 0.000085%; no homozygotes.

Submissions (2):

All of Us Research Program, National Institutes of Health
Classification: Uncertain significance for Malignant hyperthermia, susceptibility to, 5. Last evaluated: 2024-05-30. Review status: criteria provided, single submitter. Criteria: ACMG Guidelines, 2015. Collection method: clinical testing. Allele origin: germline. Inheritance: Autosomal dominant inheritance. Observed: 1 variant allele, 1 heterozygote.
Comment: This missense variant replaces isoleucine with valine at codon 1393 of the CACNA1S protein. Computational prediction suggests that this variant may not impact protein structure and function (internally defined REVEL score threshold <= 0.5, PMID: 27666373). To our knowledge, functional studies have not been reported for this variant. This variant has not been reported in individuals affected with CACNA1S-related disorders in the literature. This variant has not been identified in the general population by the Genome Aggregation Database (gnomAD). The available evidence is insufficient to determine the role of this variant in disease conclusively. Therefore, this variant is classified as a Variant of Uncertain Significance.

This study involves interpretation of variants in research participants for the purpose of population health screening. Participant phenotype was not available at the time of variant classification. Additional details can be found in publication PMID: 35346344, PMCID: PMC8962531

Labcorp Genetics (formerly Invitae), Labcorp
Classification: Uncertain significance for Hypokalemic periodic paralysis, type 1; Malignant hyperthermia, susceptibility to, 5. Last evaluated: 2022-06-20. Review status: criteria provided, single submitter. Criteria: Invitae Variant Classification Sherloc (09022015). Collection method: clinical testing. Allele origin: germline.
Comment: This sequence change replaces isoleucine, which is neutral and non-polar, with valine, which is neutral and non-polar, at codon 1393 of the CACNA1S protein (p.Ile1393Val). This variant is not present in population databases (gnomAD no frequency). This variant has not been reported in the literature in individuals affected with CACNA1S-related conditions. Advanced modeling of protein sequence and biophysical properties (such as structural, functional, and spatial information, amino acid conservation, physicochemical variation, residue mobility, and thermodynamic stability) performed at Invitae indicates that this missense variant is not expected to disrupt CACNA1S protein function. In summary, the available evidence is currently insufficient to determine the role of this variant in disease. Therefore, it has been classified as a Variant of Uncertain Significance.

NM_000069.3(CACNA1S):c.4177A>G (p.Ile1393Val)

Gene: CACNA1S (calcium voltage-gated channel subunit alpha1 S; minus strand). Cytogenetic location: 1q32.1.
Variant type: single nucleotide variant.
Coding change: c.4177A>G on transcript NM_000069.3 (MANE Select); coding-DNA position 4177, A replaced by G.
Protein change: p.Ile1393Val; replaces isoleucine 1393 with valine.
Molecular consequence: missense variant.
Genome position (GRCh38, 1-based): chr1:201,050,453, T>C on the plus strand (A>G on the coding strand, the complement: CACNA1S is on the minus strand). VCF-style: chr1-201050453-T-C. GRCh37 (hg19) VCF-style: chr1-201019581-T-C.
Other names: short protein forms I1393V.
Identifiers: ClinVar variation 1419774 (VCV001419774.9), dbSNP rs2102557535, ClinGen allele CA344148415.